The following is an entry in ClinVar:

ClinVar aggregate classification (germline): Likely pathogenic. Review status: criteria provided, multiple submitters, no conflicts (2 of 4 stars). 3 submissions from 3 submitters: Likely pathogenic (3). Last evaluated 2024-11-01.

Conditions:
Marfan syndrome (MFS). Also called: MARFAN SYNDROME, TYPE I; Marfan syndrome type 1; Marfan's syndrome; Marfan syndrome, classic; FBN1-Related Marfan Syndrome. Identifiers: Orphanet 284963, Orphanet 558, MedGen C0024796, MONDO:0007947, OMIM 154700.

Submissions (3):

CeGaT Center for Human Genetics Tuebingen
Classification: Likely pathogenic. Last evaluated: 2024-11-01. Review status: criteria provided, single submitter. Criteria: CeGaT Center For Human Genetics Tuebingen Variant Classification Criteria Version 2. Collection method: clinical testing. Allele origin: germline. Affected: yes. Observed: 1 variant allele.
Comment: FBN1: PM1, PM2, PM5, PP3, PS4:Supporting

GeneDx
Classification: Likely pathogenic. Last evaluated: 2024-08-15. Review status: criteria provided, single submitter. Criteria: GeneDx Variant Classification Process June 2021. Collection method: clinical testing. Allele origin: germline. Affected: yes.
Comment: Identified in a cohort of patients with clinical suspicion of Marfan syndrome (PMID: 19839986); Not observed at significant frequency in large population cohorts (gnomAD); In silico analysis supports that this missense variant has a deleterious effect on protein structure/function; This variant is associated with the following publications: (PMID: 12938084, 19839986, 24940037)

Juno Genomics, Hangzhou Juno Genomics, Inc
Classification: Likely pathogenic for Marfan syndrome. Review status: criteria provided, single submitter. Criteria: ACMG Guidelines, 2015. Collection method: clinical testing. Allele origin: germline. Affected: yes.
Comment: Absent from controls (or at extremely low frequency if recessive) in Genome Aggregation Database, Exome Sequencing Project, 1000 Genomes Project, or Exome Aggregation Consortium.;Multiple lines of computational evidence support a deleterious effect on the gene or gene product (conservation, evolutionary, splicing impact, etc).;Missense variant in a gene that has a low rate of benign missense variation and where missense variants are a common mechanism of disease.;The prevalence of the variant in affected individuals is significantly increased compared to the prevalence in controls.

NM_000138.5(FBN1):c.3929G>A (p.Gly1310Asp)

Gene: FBN1 (fibrillin 1; minus strand). Cytogenetic location: 15q21.1.
Variant type: single nucleotide variant.
Coding change: c.3929G>A on transcript NM_000138.5 (MANE Select); coding-DNA position 3929, G replaced by A.
Protein change: p.Gly1310Asp; replaces glycine 1310 with aspartic acid.
Molecular consequence: missense variant.
Genome position (GRCh38, 1-based): chr15:48,481,690, C>T on the plus strand (G>A on the coding strand, the complement: FBN1 is on the minus strand). VCF-style: chr15-48481690-C-T. GRCh37 (hg19) VCF-style: chr15-48773887-C-T.
Other names: c.3929G>A, p.Gly1310Asp (NM_001406716.1); short protein forms G1310D.
Identifiers: ClinVar variation 3382365 (VCV003382365.17).